The following is an entry in ClinVar:

NM_020297.4(ABCC9):c.144G>T (p.Gly48=)

Gene: ABCC9 (ATP binding cassette subfamily C member 9; minus strand). Cytogenetic location: 12p12.1.
Variant type: single nucleotide variant.
Coding change: c.144G>T on transcript NM_020297.4 (MANE Select); coding-DNA position 144, G replaced by T.
Protein change: p.Gly48=; no amino-acid change (glycine 48 retained).
Molecular consequence: synonymous variant. On other transcripts: 5 prime UTR variant (1).
Genome position (GRCh38, 1-based): chr12:21,933,922, C>A on the plus strand (G>T on the coding strand, the complement: ABCC9 is on the minus strand). VCF-style: chr12-21933922-C-A. GRCh37 (hg19) VCF-style: chr12-22086856-C-A.
Other names: c.144G>T, p.Gly48= (NM_001377273.1, NM_005691.4); c.-311G>T (NM_001377274.1).
Identifiers: ClinVar variation 961455 (VCV000961455.9), dbSNP rs1949382552, ClinGen allele CA478874096.
Genomic context (GRCh38, chr12:21,933,922, plus strand): 5'-TCCCGGAAAATGAAGCCATGTGTTGTGGTGAATTTGTACTTTTGAGCTTTGGCTCCCCCA[C>A]CCTGGAAAAGAGAGAAAAGTTAAAAACAAAAAGACATAAACCGAAGGCTCAATTGTAATA-3'
Protein context (NP_064693.2, residues 38-58): LFITFPILFI[Gly48=]WGSQSSKVQI

ClinVar aggregate classification (germline): Uncertain significance (1 of 4 stars; one submission).

Conditions:
Dilated cardiomyopathy 1O (CMD1O). Also called: CARDIOMYOPATHY, DILATED, WITH VENTRICULAR TACHYCARDIA. Identifiers: Orphanet 154, MedGen C1837839, MONDO:0012062, OMIM 608569.

Submission:

Labcorp Genetics (formerly Invitae), Labcorp
Classification: Uncertain significance for Dilated cardiomyopathy 1O. Last evaluated: 2019-10-15. Review status: criteria provided, single submitter. Criteria: Invitae Variant Classification Sherloc (09022015). Collection method: clinical testing. Allele origin: germline.
Comment: This sequence change affects codon 48 of the ABCC9 mRNA. It is a 'silent' change, meaning that it does not change the encoded amino acid sequence of the ABCC9 protein. This variant is not present in population databases (ExAC no frequency). This variant has not been reported in the literature in individuals with ABCC9-related conditions. Algorithms developed to predict the effect of sequence changes on RNA splicing suggest that this variant may create or strengthen a splice site, but this prediction has not been confirmed by published transcriptional studies. In summary, the available evidence is currently insufficient to determine the role of this variant in disease. Therefore, it has been classified as a Variant of Uncertain Significance.